The following is an entry in ClinVar:

ClinVar aggregate classification (germline): Uncertain significance (1 of 4 stars; one submission).

Conditions:
Hereditary cancer-predisposing syndrome. Also called: Neoplastic Syndromes, Hereditary; Tumor predisposition; Hereditary neoplastic syndrome; Hereditary Cancer Syndrome. Identifiers: Orphanet 140162, MedGen C0027672, MeSH D009386, MONDO:0015356.

Submission:

Ambry Genetics
Classification: Uncertain significance for Hereditary cancer-predisposing syndrome. Last evaluated: 2019-08-13. Review status: criteria provided, single submitter. Criteria: Ambry Variant Classification Scheme 2023. Collection method: clinical testing. Allele origin: germline.
Comment: The p.M1300I variant (also known as c.3900G>A), located in coding exon 32 of the TSC2 gene, results from a G to A substitution at nucleotide position 3900. The methionine at codon 1300 is replaced by isoleucine, an amino acid with highly similar properties. This amino acid position is poorly conserved in available vertebrate species. In addition, the in silico prediction for this alteration is inconclusive. Since supporting evidence is limited at this time, the clinical significance of this alteration remains unclear.

NM_000548.5(TSC2):c.3900G>A (p.Met1300Ile)

Gene: TSC2 (TSC complex subunit 2; plus strand). Cytogenetic location: 16p13.3.
Variant type: single nucleotide variant.
Coding change: c.3900G>A on transcript NM_000548.5 (MANE Select); coding-DNA position 3900, G replaced by A.
Protein change: p.Met1300Ile; replaces methionine 1300 with isoleucine.
Molecular consequence: missense variant.
Genome position (GRCh38, 1-based): chr16:2,083,711, G>A. VCF-style: chr16-2083711-G-A. GRCh37 (hg19) VCF-style: chr16-2133712-G-A.
Other names: c.3699G>A, p.Met1233Ile (NM_001077183.3); c.3831G>A, p.Met1277Ile (NM_001114382.3); c.3591G>A, p.Met1197Ile (NM_001318827.2); c.3555G>A, p.Met1185Ile (NM_001318829.2); c.3168G>A, p.Met1056Ile (NM_001318831.2); c.3732G>A, p.Met1244Ile (NM_001318832.2); c.3702G>A, p.Met1234Ile (NM_001363528.2); c.3768G>A, p.Met1256Ile (NM_001370404.1); and 1 more; short protein forms M1197I, M1244I, M1185I, M1233I, M1256I, M1277I, M1056I, M1300I.
Identifiers: ClinVar variation 824363 (VCV000824363.4), dbSNP rs1596411903, ClinGen allele CA394296837.